The following is an entry in ClinVar:

NM_007294.4(BRCA1):c.134+4133C>T

Gene: BRCA1 (BRCA1 DNA repair associated; minus strand). Cytogenetic location: 17q21.31.
Variant type: single nucleotide variant.
Coding change: c.134+4133C>T on transcript NM_007294.4 (MANE Select); 4133 bases into the intron after coding-DNA position 134, C replaced by T.
Molecular consequence: intron variant.
Genome position (GRCh38, 1-based): chr17:43,111,593, G>A on the plus strand (C>T on the coding strand, the complement: BRCA1 is on the minus strand). VCF-style: chr17-43111593-G-A. GRCh37 (hg19) VCF-style: chr17-41263610-G-A.
Other names: IVS 3+4133C>T; c.-8+4133C>T (NM_001408458.1, NM_001408470.1, NM_001407848.1 and 47 more transcripts); c.-219+13684C>T (NM_001407967.1); c.-169-6637C>T (NM_001407959.1, NM_001407963.1); c.-7-5060C>T (NM_001407931.1, NM_001407747.1, NM_001408461.1 and 30 more transcripts); c.-170+4133C>T (NM_001407962.1, NM_001408512.1, NM_001408510.1 and 1 more transcripts); c.-55+4133C>T (NM_001407885.1, NM_001407886.1, NM_001408509.1 and 52 more transcripts); c.-123-1013C>T (NM_001407746.1, NM_001408468.1, NM_001407842.1 and 13 more transcripts); and 10 more.
Identifiers: ClinVar variation 209517 (VCV000209517.2), dbSNP rs143757906, ClinGen allele CA276486.

ClinVar aggregate classification (germline): Benign (3 of 4 stars; one submission).

Conditions:
Breast-ovarian cancer, familial, susceptibility to, 1 (BROVCA1). Also called: BRCA1 Hereditary Breast and Ovarian Cancer; OVARIAN CANCER, SUSCEPTIBILITY TO. Identifiers: Orphanet 145, MedGen C2676676, MONDO:0011450, OMIM 604370. Disease mechanism: loss of function.

Allele frequency attached by ClinVar (database versions not stated): TOPMed 0.00045; 1000 Genomes Project 30x 0.00172; 1000 Genomes Project 0.00200; gnomAD 0.00266 and 0.00270.
gnomAD v4.1: 397 of 151,784 alleles (0.26%); highest among the groups gnomAD compares: East Asian, 0.31%; 7 homozygotes.

Submission:

Evidence-based Network for the Interpretation of Germline Mutant Alleles (ENIGMA)
Classification: Benign for Breast-ovarian cancer, familial 1. Last evaluated: 2015-01-12. Review status: reviewed by expert panel. Criteria: ENIGMA BRCA1/2 Classification Criteria (2015). Collection method: curation. Allele origin: germline.
Comment: Class 1 not pathogenic based on frequency >1% in an outbred sampleset. Frequency 0.01049 (Asian), derived from 1000 genomes (2012-04-30).